The following is an entry in ClinVar:

ClinVar aggregate classification (germline): Uncertain significance. Review status: criteria provided, multiple submitters, no conflicts (2 of 4 stars). 2 submissions from 2 submitters: Uncertain significance (2). Last evaluated 2025-08-28.

Conditions:
Very long chain acyl-CoA dehydrogenase deficiency (ACADVLD). Also called: Very Long-Chain Acyl-Coenzyme A Dehydrogenase Deficiency; VLCAD Deficiency. Identifiers: Orphanet 26793, MedGen C3887523, MONDO:0008723, OMIM 201475.

Allele frequency attached by ClinVar (database versions not stated): gnomAD exomes below 0.00001 and 0.00001; TOPMed below 0.00001.
gnomAD v4.1: 8 of 1,614,048 alleles (0.0005%); highest among the groups gnomAD compares: Non-Finnish European, 0.00068%; no homozygotes.

Submissions (2):

Labcorp Genetics (formerly Invitae), Labcorp
Classification: Uncertain significance for Very long chain acyl-CoA dehydrogenase deficiency. Last evaluated: 2025-08-28. Review status: criteria provided, single submitter. Criteria: Invitae Variant Classification Sherloc (09022015). Collection method: clinical testing. Allele origin: germline.
Comment: This sequence change replaces glutamic acid, which is acidic and polar, with alanine, which is neutral and non-polar, at codon 609 of the ACADVL protein (p.Glu609Ala). This variant is present in population databases (no rsID available, gnomAD 0.0009%). This variant has not been reported in the literature in individuals affected with ACADVL-related conditions. ClinVar contains an entry for this variant (Variation ID: 932778). An algorithm developed to predict the effect of missense changes on protein structure and function (PolyPhen-2) suggests that this variant is likely to be disruptive. Algorithms developed to predict the effect of sequence changes on RNA splicing suggest that this variant may disrupt the consensus splice site. In summary, the available evidence is currently insufficient to determine the role of this variant in disease. Therefore, it has been classified as a Variant of Uncertain Significance.

Wong Mito Lab, Molecular and Human Genetics, Baylor College of Medicine
Classification: Uncertain significance for Very long chain acyl-CoA dehydrogenase deficiency. Last evaluated: 2019-11-01. Review status: criteria provided, single submitter. Criteria: ACMG Guidelines, 2015. Collection method: clinical testing. Allele origin: germline.
Comment: The NM_000018.3:c.1826A>C (NP_000009.1:p.Glu609Ala) [GRCH38: NC_000017.11:g.7224883A>C] variant in ACADVL gene is interpretated to be Uncertain Significance based on ACMG guidelines (PMID: 25741868). This variant has been reported. This variant meets the following evidence codes reported in the ACMG guidelines: PP3

NM_000018.4(ACADVL):c.1826A>C (p.Glu609Ala)

Gene: ACADVL (acyl-CoA dehydrogenase very long chain; plus strand). Cytogenetic location: 17p13.1.
Variant type: single nucleotide variant.
Coding change: c.1826A>C on transcript NM_000018.4 (MANE Select); coding-DNA position 1826, A replaced by C.
Protein change: p.Glu609Ala; replaces glutamic acid 609 with alanine.
Molecular consequence: missense variant.
Genome position (GRCh38, 1-based): chr17:7,224,883, A>C. VCF-style: chr17-7224883-A-C. GRCh37 (hg19) VCF-style: chr17-7128202-A-C.
Other names: c.1760A>C, p.Glu587Ala (NM_001033859.3); c.1895A>C, p.Glu632Ala (NM_001270447.2); c.1598A>C, p.Glu533Ala (NM_001270448.2); short protein forms E609A, E533A, E587A, E632A.
Identifiers: ClinVar variation 932778 (VCV000932778.5), dbSNP rs908625615, ClinGen allele CA287441214.